The following is an entry in ClinVar:

ClinVar aggregate classification (germline): Uncertain significance (1 of 4 stars; one submission).

Conditions:
Familial hemophagocytic lymphohistiocytosis 3 (FHL3). Also called: UNC13D-Related Familial Hemophagocytic Lymphohistiocytosis (UNC13D-fHLH). Identifiers: Orphanet 540, MedGen C1837174, MONDO:0012146, OMIM 608898.

Submission:

Labcorp Genetics (formerly Invitae), Labcorp
Classification: Uncertain significance for Familial hemophagocytic lymphohistiocytosis 3. Last evaluated: 2019-11-03. Review status: criteria provided, single submitter. Criteria: Invitae Variant Classification Sherloc (09022015). Collection method: clinical testing. Allele origin: germline.
Comment: This sequence change replaces cysteine with tyrosine at codon 699 of the UNC13D protein (p.Cys699Tyr). The cysteine residue is highly conserved and there is a large physicochemical difference between cysteine and tyrosine. In summary, the available evidence is currently insufficient to determine the role of this variant in disease. Therefore, it has been classified as a Variant of Uncertain Significance. This variant has not been reported in the literature in individuals with UNC13D-related conditions. Algorithms developed to predict the effect of missense changes on protein structure and function (SIFT, PolyPhen-2, Align-GVGD) all suggest that this variant is likely to be disruptive, but these predictions have not been confirmed by published functional studies and their clinical significance is uncertain. This variant is not present in population databases (ExAC no frequency).

NM_199242.3(UNC13D):c.2096G>A (p.Cys699Tyr)

Gene: UNC13D (unc-13 homolog D; minus strand). Cytogenetic location: 17q25.1.
Variant type: single nucleotide variant.
Coding change: c.2096G>A on transcript NM_199242.3 (MANE Select); coding-DNA position 2096, G replaced by A.
Protein change: p.Cys699Tyr; replaces cysteine 699 with tyrosine.
Molecular consequence: missense variant.
Genome position (GRCh38, 1-based): chr17:75,834,527, C>T on the plus strand (G>A on the coding strand, the complement: UNC13D is on the minus strand). VCF-style: chr17-75834527-C-T. GRCh37 (hg19) VCF-style: chr17-73830608-C-T.
Other names: short protein forms C699Y.
Identifiers: ClinVar variation 960744 (VCV000960744.7), dbSNP rs2064893465, ClinGen allele CA401089755.